The following is an entry in ClinVar:

NM_018847.4(KLHL9):c.67A>G (p.Thr23Ala)

Gene: KLHL9 (kelch like family member 9; minus strand). Cytogenetic location: 9p21.3.
Variant type: single nucleotide variant.
Coding change: c.67A>G on transcript NM_018847.4 (MANE Select); coding-DNA position 67, A replaced by G.
Protein change: p.Thr23Ala; replaces threonine 23 with alanine.
Molecular consequence: missense variant.
Genome position (GRCh38, 1-based): chr9:21,334,793, T>C on the plus strand (A>G on the coding strand, the complement: KLHL9 is on the minus strand). VCF-style: chr9-21334793-T-C. GRCh37 (hg19) VCF-style: chr9-21334792-T-C.
Other names: c.67A>G (NM_018847.2); short protein forms T23A.
Identifiers: ClinVar variation 3619618 (VCV003619618.3).

ClinVar aggregate classification (germline): Uncertain significance. Review status: criteria provided, multiple submitters, no conflicts (2 of 4 stars). 2 submissions from 2 submitters: Uncertain significance (2). Last evaluated 2026-01-19.

gnomAD v4.1: 2 of 1,612,968 alleles (0.00012%); highest among the groups gnomAD compares: Non-Finnish European, 0.00017%; no homozygotes.

Submissions (2):

Labcorp Genetics (formerly Invitae), Labcorp
Classification: Uncertain significance. Last evaluated: 2026-01-19. Review status: criteria provided, single submitter. Criteria: Invitae Variant Classification Sherloc (09022015). Collection method: clinical testing. Allele origin: germline.
Comment: This sequence change replaces threonine, which is neutral and polar, with alanine, which is neutral and non-polar, at codon 23 of the KLHL9 protein (p.Thr23Ala). This variant is not present in population databases (gnomAD no frequency). This variant has not been reported in the literature in individuals affected with KLHL9-related conditions. ClinVar contains an entry for this variant (Variation ID: 3619618). An algorithm developed to predict the effect of missense changes on protein structure and function (PolyPhen-2) suggests that this variant is likely to be tolerated. In summary, the available evidence is currently insufficient to determine the role of this variant in disease. Therefore, it has been classified as a Variant of Uncertain Significance.

Ambry Genetics
Classification: Uncertain significance. Last evaluated: 2025-11-26. Review status: criteria provided, single submitter. Criteria: Ambry Variant Classification Scheme 2023. Collection method: clinical testing. Allele origin: germline.